The following is an entry in ClinVar:

ClinVar aggregate classification (germline): Benign/Likely benign. Review status: criteria provided, multiple submitters, no conflicts (2 of 4 stars). 3 submissions from 3 submitters: Benign (1); Likely benign (2). Last evaluated 2026-05-05.

Conditions:
Colorectal cancer, hereditary nonpolyposis, type 7. Identifiers: Orphanet 144, MedGen C1858380, MONDO:0013725, OMIM 614385.

gnomAD v4.1: 1 of 1,614,096 alleles (0.000062%); highest among the groups gnomAD compares: Non-Finnish European, 0.000085%; no homozygotes.

Submissions (3):

Myriad Genetics, Inc.
Classification: Benign for Colorectal cancer, hereditary nonpolyposis, type 7. Last evaluated: 2026-05-05. Review status: criteria provided, single submitter. Criteria: Myriad Autosomal Dominant, Autosomal Recessive and X-Linked Classification Criteria (2023). Collection method: clinical testing. Allele origin: unknown.
Comment: This variant is considered benign. This variant is a silent/synonymous amino acid change and it is not expected to impact splicing.

Labcorp Genetics (formerly Invitae), Labcorp
Classification: Likely benign for Colorectal cancer, hereditary nonpolyposis, type 7. Last evaluated: 2023-02-26. Review status: criteria provided, single submitter. Criteria: Invitae Variant Classification Sherloc (09022015). Collection method: clinical testing. Allele origin: germline.

Ambry Genetics
Classification: Likely benign. Last evaluated: 2022-01-21. Review status: criteria provided, single submitter. Criteria: Ambry Variant Classification Scheme 2023. Collection method: clinical testing. Allele origin: germline.

NM_001040108.2(MLH3):c.2964C>T (p.Ile988=)

Gene: MLH3 (mutL homolog 3; minus strand). Cytogenetic location: 14q24.3.
Variant type: single nucleotide variant.
Coding change: c.2964C>T on transcript NM_001040108.2 (MANE Select); coding-DNA position 2964, C replaced by T.
Protein change: p.Ile988=; no amino-acid change (isoleucine 988 retained).
Molecular consequence: synonymous variant.
Genome position (GRCh38, 1-based): chr14:75,046,692, G>A on the plus strand (C>T on the coding strand, the complement: MLH3 is on the minus strand). VCF-style: chr14-75046692-G-A. GRCh37 (hg19) VCF-style: chr14-75513395-G-A.
Other names: c.2964C>T, p.Ile988= (NM_014381.3).
Identifiers: ClinVar variation 1798199 (VCV001798199.6), dbSNP rs201936675, ClinGen allele CA487273377.